The following is an entry in ClinVar:

ClinVar aggregate classification (germline): Pathogenic (1 of 4 stars; one submission).

Conditions:
Inborn genetic diseases. Identifiers: MedGen C0950123, MeSH D030342.

Submission:

Ambry Genetics
Classification: Pathogenic for Inborn genetic diseases. Last evaluated: 2023-10-31. Review status: criteria provided, single submitter. Criteria: Ambry Variant Classification Scheme 2023. Collection method: clinical testing. Allele origin: germline.
Comment: The c.1228_1247del20 (p.S410Tfs*17) alteration, located in exon 12 (coding exon 12) of the DDX3X gene, consists of a deletion of 20 nucleotides from position 1228 to 1247, causing a translational frameshift with a predicted alternate stop codon after 17 amino acids. This alteration is expected to result in loss of function by premature protein truncation or nonsense-mediated mRNA decay. This variant was not reported in population-based cohorts in the Genome Aggregation Database (gnomAD). Based on the available evidence, this alteration is classified as pathogenic.

NM_001356.5(DDX3X):c.1228_1247del (p.Ser410fs)

Gene: DDX3X (DEAD-box helicase 3 X-linked; plus strand). Cytogenetic location: Xp11.4.
Variant type: Deletion.
Coding change: c.1228_1247del on transcript NM_001356.5 (MANE Select); coding-DNA positions 1228 to 1247, 20 bases deleted (TCTACCTCTGAAAACATCAC).
Protein change: p.Ser410fs; shifts the reading frame from serine 410.
Molecular consequence: frameshift variant. On other transcripts: non-coding transcript variant (1).
Genome position (GRCh38, 1-based): chrX:41,345,461-41,345,480, TCTACCTCTGAAAACATCAC deleted; deleting any 20 consecutive bases within chrX:41,345,460-41,345,480 gives the same sequence; the c. name uses the placement nearest the transcript's 3' end. VCF-style (leftmost placement, unchanged base first): chrX-41345459-GCTCTACCTCTGAAAACATCA-G. GRCh37 (hg19) VCF-style: chrX-41204712-GCTCTACCTCTGAAAACATCA-G.
Other names: c.1228_1247del, p.Ser410fs (NM_001193416.3); c.1180_1199del, p.Ser394fs (NM_001193417.3); c.670_689del, p.Ser224fs (NM_001363819.1); short protein forms S410fs, S224fs, S394fs.
Identifiers: ClinVar variation 3081012 (VCV003081012.1), dbSNP rs2519519392, ClinGen allele CA2825002942.
Genomic context (GRCh38, chrX:41,345,459, plus strand): 5'-TTCAGATGCTGGCTCGTGATTTCTTAGATGAATATATCTTCTTGGCTGTAGGAAGAGTTG[GCTCTACCTCTGAAAACATCA>G]CACAGAAAGTAGTTTGGGTGGAAGAATCAGACAAACGGTCATTTCTGCTTGACCTCCTAA-3'